The following is an entry in ClinVar:

NM_022773.4(LMF1):c.766C>T (p.His256Tyr)

Gene: LMF1 (lipase maturation factor 1; minus strand). Cytogenetic location: 16p13.3.
Variant type: single nucleotide variant.
Coding change: c.766C>T on transcript NM_022773.4 (MANE Select); coding-DNA position 766, C replaced by T.
Protein change: p.His256Tyr; replaces histidine 256 with tyrosine.
Molecular consequence: missense variant. On other transcripts: non-coding transcript variant (1).
Genome position (GRCh38, 1-based): chr16:879,701, G>A on the plus strand (C>T on the coding strand, the complement: LMF1 is on the minus strand). VCF-style: chr16-879701-G-A. GRCh37 (hg19) VCF-style: chr16-929701-G-A.
Other names: c.115C>T, p.His39Tyr (NM_001352017.2, NM_001352021.2); c.367C>T, p.His123Tyr (NM_001352018.2); c.439C>T, p.His147Tyr (NM_001352019.2); c.766C>T, p.His256Tyr (NM_001352020.1); short protein forms H123Y, H39Y, H256Y, H147Y.
Identifiers: ClinVar variation 1760060 (VCV001760060.2), dbSNP rs1457785919, ClinGen allele CA394131915.

ClinVar aggregate classification (germline): Uncertain significance (1 of 4 stars; one submission).

Conditions:
Cardiovascular phenotype. Identifiers: MedGen CN230736.

gnomAD v4.1: 10 of 1,602,378 alleles (0.00062%); highest among the groups gnomAD compares: Non-Finnish European, 0.00085%; no homozygotes.

Submission:

Ambry Genetics
Classification: Uncertain significance for Cardiovascular phenotype. Last evaluated: 2022-05-02. Review status: criteria provided, single submitter. Criteria: Ambry Variant Classification Scheme 2023. Collection method: clinical testing. Allele origin: germline.
Comment: The p.H256Y variant (also known as c.766C>T), located in coding exon 6 of the LMF1 gene, results from a C to T substitution at nucleotide position 766. The histidine at codon 256 is replaced by tyrosine, an amino acid with similar properties. This amino acid position is conserved. In addition, this alteration is predicted to be deleterious by in silico analysis. Since supporting evidence is limited at this time, the clinical significance of this alteration remains unclear.